The following is an entry in ClinVar:

ClinVar aggregate classification (germline): Likely pathogenic (1 of 4 stars; one submission).

Conditions:
Sotos syndrome (SOTOS). Also called: CHROMOSOME 5q35 DELETION SYNDROME; CEREBRAL GIGANTISM; Sotos' syndrome; Distinctive facial appearance, overgrowth in childhood, and learning disabilities or delayed development; SOTOS SYNDROME 1. Identifiers: Orphanet 821, MedGen C0175695, MONDO:0019349, OMIM 117550.

Submission:

Institute of Immunology and Genetics Kaiserslautern
Classification: Likely pathogenic for Sotos syndrome. Last evaluated: 2026-03-11. Review status: criteria provided, single submitter. Criteria: ACMG Guidelines, 2015. Collection method: clinical testing. Allele origin: germline. Affected: yes.
Comment: ACMG Criteria: PVS1, PM2; Variant was found in heterozygous state. Paternal sample was not available for testing de novo-status.

NM_022455.5(NSD1):c.3102_3103dup (p.Ser1035fs)

Gene: NSD1 (nuclear receptor binding SET domain protein 1; plus strand). Cytogenetic location: 5q35.3.
Variant type: Duplication.
Coding change: c.3102_3103dup on transcript NM_022455.5 (MANE Select); coding-DNA positions 3102 to 3103, 2 bases duplicated (TT; older notation c.3102_3103dupTT).
Protein change: p.Ser1035fs; shifts the reading frame from serine 1035.
Molecular consequence: frameshift variant.
Genome position (GRCh38, 1-based): chr5:177,211,501-177,211,502, TT duplicated; duplicating any 2 consecutive bases within chr5:177,211,498-177,211,502 gives the same sequence; the c. name uses the placement nearest the transcript's 3' end. VCF-style (leftmost placement, unchanged base first): chr5-177211497-C-CTT. GRCh37 (hg19) VCF-style: chr5-176638498-C-CTT.
Other names: c.2229_2230dup, p.Ser744fs (NM_001365684.2, NM_001409306.1, NM_001409307.1 and 3 more transcripts); c.3102_3103dup, p.Ser1035fs (NM_001409301.1, NM_001409302.1, NM_001409303.1); c.2682_2683dup, p.Ser895fs (NM_001409304.1); c.2349_2350dup, p.Ser784fs (NM_001409305.1); short protein forms S1035fs, S744fs, S784fs, S895fs.
Identifiers: ClinVar variation 4851425 (VCV004851425.1).